The following is an entry in ClinVar:

ClinVar aggregate classification (germline): Benign/Likely benign. Review status: criteria provided, multiple submitters, no conflicts (2 of 4 stars). 11 submissions from 11 submitters: Benign (1); Likely benign (7). 3 of the submissions do not count toward it. Last evaluated 2026-07-01.

Conditions:
GATA4-related disorder. Also called: GATA4-related condition. Identifiers: MedGen CN860321.
Cardiovascular phenotype. Identifiers: MedGen CN230736.
Atrioventricular septal defect 4 (AVSD4). Identifiers: MedGen C3280781, MONDO:0013747, OMIM 614430.
46,XY sex reversal 3. Also called: SEX REVERSAL, XY, WITH OR WITHOUT ADRENAL FAILURE; 46,XY SEX REVERSAL, PARTIAL OR COMPLETE, NR5A1-RELATED; 46,XY GONADAL DYSGENESIS, PARTIAL OR COMPLETE, WITH OR WITHOUT ADRENAL FAILURE; DISORDER OF SEX DEVELOPMENT, 46,XY, NR5A1-RELATED; NR5A1-related 46,XY complete gonadal dysgenesis. Identifiers: MedGen C3489793, MONDO:0013066, OMIM 612965.

Allele frequency attached by ClinVar (database versions not stated): TOPMed 0.00134; gnomAD 0.00144 and 0.00145; gnomAD exomes 0.00242 and 0.00155; 1000 Genomes Project 0.00060; ExAC 0.00178; 1000 Genomes Project 30x 0.00078; ESP Exome Variant Server 0.00238.
gnomAD v4.1: 3,723 of 1,614,262 alleles (0.23%); highest among the groups gnomAD compares: Non-Finnish European, 0.29%; 2 homozygotes.

Submissions (11):

CeGaT Center for Human Genetics Tuebingen
Classification: Benign. Last evaluated: 2026-07-01. Review status: criteria provided, single submitter. Criteria: CeGaT Center For Human Genetics Tuebingen Variant Classification Criteria Version 2. Collection method: clinical testing. Allele origin: germline. Affected: yes. Observed: 2 variant alleles.
Comment: GATA4: BS1, BS2

Labcorp Genetics (formerly Invitae), Labcorp
Classification: Likely benign for Atrioventricular septal defect 4. Last evaluated: 2026-02-03. Review status: criteria provided, single submitter. Criteria: Invitae Variant Classification Sherloc (09022015). Collection method: clinical testing. Allele origin: germline.

ARUP Laboratories, Molecular Genetics and Genomics, ARUP Laboratories
Classification: Likely benign. Last evaluated: 2025-03-24. Review status: criteria provided, single submitter. Criteria: ARUP Molecular Germline Variant Investigation Process 2024. Collection method: clinical testing. Allele origin: germline.

Blueprint Genetics
Classification: Likely benign. Last evaluated: 2024-10-22. Review status: criteria provided, single submitter. Criteria: ACMG Guidelines, 2015. Collection method: clinical testing. Allele origin: germline.

Ambry Genetics
Classification: Likely benign for Cardiovascular phenotype. Last evaluated: 2021-11-09. Review status: criteria provided, single submitter. Criteria: Ambry Variant Classification Scheme 2023. Collection method: clinical testing. Allele origin: germline.

GeneDx
Classification: Likely benign. Last evaluated: 2020-12-18. Review status: criteria provided, single submitter. Criteria: GeneDx Variant Classification Process June 2021. Collection method: clinical testing. Allele origin: germline. Affected: yes.
Comment: This variant is associated with the following publications: (PMID: 31962012, 20592452, 22011241, 25093829, 26997702, 29368431, 26014430, 27899157, 17643447, 20981092)

Genetic Services Laboratory, University of Chicago
Classification: Likely benign. Last evaluated: 2016-05-16. Review status: criteria provided, single submitter. Criteria: ACMG Guidelines, 2015. Collection method: clinical testing. Allele origin: germline. Affected: no.

Breakthrough Genomics
Classification: Likely benign. Review status: criteria provided, single submitter. Criteria: ACMG Guidelines, 2015. Collection method: not provided. Allele origin: germline. Inheritance: Autosomal dominant inheritance. Affected: yes.

PreventionGenetics, part of Exact Sciences
Classification: Likely benign for GATA4-related condition. Last evaluated: 2021-01-28. Review status: no assertion criteria provided. Collection method: clinical testing. Allele origin: germline. Not counted in ClinVar's aggregate classification.
Comment: This variant is classified as likely benign based on ACMG/AMP sequence variant interpretation guidelines (Richards et al. 2015 PMID: 25741868, with internal and published modifications).

Reproductive Development, Murdoch Childrens Research Institute
Classification: Benign for 46,XY disorder of sex development. Last evaluated: 2019-08-26. Review status: no assertion criteria provided. Collection method: research. Allele origin: germline. Affected: yes. Not counted in ClinVar's aggregate classification.

OMIM
Classification: Pathogenic for ATRIOVENTRICULAR SEPTAL DEFECT 4. Last evaluated: 2007-12-01. Review status: no assertion criteria provided. Collection method: literature only. Allele origin: germline. Not counted in ClinVar's aggregate classification.

Literature cited by the submitters: PubMed 17643447 (cited by OMIM).

NM_001308093.3(GATA4):c.1040C>T (p.Ala347Val)

Gene: GATA4 (GATA binding protein 4). Cytogenetic location: 8p23.1.
Variant type: single nucleotide variant.
Coding change: c.1040C>T on transcript NM_001308093.3 (MANE Select); coding-DNA position 1040, C replaced by T.
Protein change: p.Ala347Val; replaces alanine 347 with valine.
Molecular consequence: missense variant.
Genome position (GRCh38, 1-based): chr8:11,756,974, C>T. VCF-style: chr8-11756974-C-T. GRCh37 (hg19) VCF-style: chr8-11614483-C-T.
Other names: c.419C>T, p.Ala140Val (NM_001308094.2, NM_001374273.1); c.293C>T, p.Ala98Val (NM_001374274.1); c.1037C>T, p.Ala346Val (NM_002052.5); short protein forms A346V, A347V, A140V, A98V.
Identifiers: ClinVar variation 30100 (VCV000030100.32), dbSNP rs115372595, ClinGen allele CA212670.